The following is an entry in ClinVar:

ClinVar aggregate classification (germline): Benign/Likely benign. Review status: criteria provided, multiple submitters, no conflicts (2 of 4 stars). 18 submissions from 18 submitters: Benign (10); Likely benign (1). 7 of the submissions do not count toward it. Last evaluated 2026-02-03.

Conditions:
Cardiovascular phenotype. Identifiers: MedGen CN230736.
ACTN2-related disorder. Also called: ACTN2 related condition; ACTN2-related disorders.
Dilated cardiomyopathy 1AA (CMD1AA). Also called: Cardiomyopathy, dilated, 1AA, with or without LVNC; CARDIOMYOPATHY, DILATED, 1AA, WITH OR WITHOUT LEFT VENTRICULAR NONCOMPACTION; CARDIOMYOPATHY, FAMILIAL HYPERTROPHIC, 23, WITH OR WITHOUT LEFT VENTRICULAR NONCOMPACTION. Identifiers: Orphanet 154, MedGen C2677338, MONDO:0012808, OMIM 612158.
Primary familial hypertrophic cardiomyopathy (HCM). Identifiers: Orphanet 99739, MedGen C0949658, MeSH D024741, MONDO:0024573. Inheritance: Various modes of inheritance.
Cardiomyopathy (CMYO). Also called: Cardiomyopathies. Identifiers: Orphanet 167848, MedGen C0878544, MONDO:0004994, HP:0001638. Inheritance: Various modes of inheritance.

Allele frequency attached by ClinVar (database versions not stated): gnomAD 0.01782 and 0.01914; 1000 Genomes Project 0.01957; TOPMed 0.01958; 1000 Genomes Project 30x 0.02014; ESP Exome Variant Server 0.02114; gnomAD exomes 0.00485 and 0.00201; ExAC 0.00585.
gnomAD v4.1: 5,808 of 1,613,882 alleles (0.36%); highest among the groups gnomAD compares: African/African-American, 6.3%; 140 homozygotes.

Submissions (18):

Labcorp Genetics (formerly Invitae), Labcorp
Classification: Benign for Primary familial hypertrophic cardiomyopathy; Dilated cardiomyopathy 1AA. Last evaluated: 2026-02-03. Review status: criteria provided, single submitter. Criteria: Invitae Variant Classification Sherloc (09022015). Collection method: clinical testing. Allele origin: germline.

ARUP Laboratories, Molecular Genetics and Genomics, ARUP Laboratories
Classification: Benign. Last evaluated: 2025-07-01. Review status: criteria provided, single submitter. Criteria: ARUP Molecular Germline Variant Investigation Process 2024. Collection method: clinical testing. Allele origin: germline.

Molecular Diagnostic Laboratory for Inherited Cardiovascular Disease, Montreal Heart Institute
Classification: Benign. Last evaluated: 2025-04-09. Review status: criteria provided, single submitter. Criteria: ACMG Guidelines, 2015. Collection method: clinical testing. Allele origin: germline. Affected: no.

Center for Pediatric Genomic Medicine, Children's Mercy Hospital and Clinics
Classification: Benign. Last evaluated: 2016-01-11. Review status: criteria provided, single submitter. Criteria: ACMG Guidelines, 2015. Collection method: clinical testing. Allele origin: germline.

CHEO Genetics Diagnostic Laboratory, Children's Hospital of Eastern Ontario
Classification: Benign for Cardiomyopathy. Last evaluated: 2015-11-30. Review status: criteria provided, single submitter. Criteria: ACMG Guidelines, 2015. Collection method: clinical testing. Allele origin: germline. Study: Canadian Open Genetics Repository.

Ambry Genetics
Classification: Benign for Cardiovascular phenotype. Last evaluated: 2015-09-17. Review status: criteria provided, single submitter. Criteria: Ambry Variant Classification Scheme 2023. Collection method: clinical testing. Allele origin: germline.

Mayo Clinic Laboratories, Mayo Clinic
Classification: Benign. Last evaluated: 2014-05-12. Review status: criteria provided, single submitter. Criteria: ACMG Guidelines, 2015. Collection method: clinical testing. Allele origin: germline. Observed: 31 variant alleles.

GeneDx
Classification: Benign. Last evaluated: 2013-07-11. Review status: criteria provided, single submitter. Criteria: GeneDx Variant Classification (06012015). Collection method: clinical testing. Allele origin: germline. Affected: yes.
Comment: This variant is considered likely benign or benign based on one or more of the following criteria: it is a conservative change, it occurs at a poorly conserved position in the protein, it is predicted to be benign by multiple in silico algorithms, and/or has population frequency not consistent with disease.

Biesecker Lab/Clinical Genomics Section, National Institutes of Health
Classification: Benign. Last evaluated: 2013-06-24. Review status: criteria provided, single submitter. Criteria: Ng et al. (Circ Cardiovasc Genet. 2013). Collection method: research. Allele origin: unknown. Observed: 8 variant alleles. Study: ClinSeq.
Comment: The study set was not selected for affection status in relation to any cancer. Pathogenicity categories were based on literature curation. See Pubmed ID:23861362 for details.

Medical sequencing

Laboratory for Molecular Medicine, Mass General Brigham Personalized Medicine
Classification: Benign. Last evaluated: 2008-12-04. Review status: criteria provided, single submitter. Criteria: LMM Criteria. Collection method: clinical testing. Allele origin: germline. Observed: 53 variant alleles.

Breakthrough Genomics
Classification: Likely benign. Review status: criteria provided, single submitter. Criteria: ACMG Guidelines, 2015. Collection method: not provided. Allele origin: germline. Inheritance: Autosomal dominant inheritance. Affected: yes.

PreventionGenetics, part of Exact Sciences
Classification: Benign for ACTN2-related condition. Last evaluated: 2019-09-13. Review status: no assertion criteria provided. Collection method: clinical testing. Allele origin: germline. Not counted in ClinVar's aggregate classification.
Comment: This variant is classified as benign based on ACMG/AMP sequence variant interpretation guidelines (Richards et al. 2015 PMID: 25741868, with internal and published modifications).

Clinical Genetics DNA and cytogenetics Diagnostics Lab, Erasmus MC, Erasmus Medical Center
Classification: Benign. Review status: no assertion criteria provided. Collection method: clinical testing. Allele origin: germline. Affected: yes. Study: VKGL Data-share Consensus. Not counted in ClinVar's aggregate classification.

Clinical Genetics, Academic Medical Center
Classification: Benign. Review status: no assertion criteria provided. Collection method: clinical testing. Allele origin: germline. Affected: yes. Study: VKGL Data-share Consensus. Not counted in ClinVar's aggregate classification.

Diagnostic Laboratory, Department of Genetics, University Medical Center Groningen
Classification: Likely benign for Dilated cardiomyopathy 1AA. Review status: no assertion criteria provided. Collection method: clinical testing. Allele origin: germline. Affected: yes. Study: VKGL Data-share Consensus. Not counted in ClinVar's aggregate classification.

Genome Diagnostics Laboratory, University Medical Center Utrecht
Classification: Benign. Review status: no assertion criteria provided. Collection method: clinical testing. Allele origin: germline. Affected: yes. Study: VKGL Data-share Consensus. Not counted in ClinVar's aggregate classification.

Joint Genome Diagnostic Labs from Nijmegen and Maastricht, Radboudumc and MUMC+
Classification: Benign. Review status: no assertion criteria provided. Collection method: clinical testing. Allele origin: germline. Affected: yes. Study: VKGL Data-share Consensus. Not counted in ClinVar's aggregate classification.

Laboratory of Diagnostic Genome Analysis, Leiden University Medical Center (LUMC)
Classification: Likely benign. Review status: no assertion criteria provided. Collection method: clinical testing. Allele origin: germline. Affected: yes. Study: VKGL Data-share Consensus. Not counted in ClinVar's aggregate classification.

NM_001103.4(ACTN2):c.1810A>G (p.Met604Val)

Gene: ACTN2 (actinin alpha 2; plus strand). Cytogenetic location: 1q43.
Variant type: single nucleotide variant.
Coding change: c.1810A>G on transcript NM_001103.4 (MANE Select); coding-DNA position 1810, A replaced by G.
Protein change: p.Met604Val; replaces methionine 604 with valine.
Molecular consequence: missense variant.
Genome position (GRCh38, 1-based): chr1:236,751,623, A>G. VCF-style: chr1-236751623-A-G. GRCh37 (hg19) VCF-style: chr1-236914923-A-G.
Other names: p.M604V:ATG>GTG; c.1810A>G, p.Met604Val (NM_001278343.2); c.1186A>G, p.Met396Val (NM_001278344.2); short protein forms M604V, M396V.
Identifiers: ClinVar variation 43915 (VCV000043915.44), dbSNP rs35997569, ClinGen allele CA133150.